The following is an entry in ClinVar:

NM_134261.3(RORA):c.197-25064A>G

Genes: RORA-AS1 (RORA antisense RNA 1; plus strand), RORA (RAR related orphan receptor A; minus strand). Cytogenetic location: 15q22.2.
Variant type: single nucleotide variant.
Coding change: c.197-25064A>G on transcript NM_134261.3 (MANE Select); 25064 bases into the intron before coding-DNA position 197, A replaced by G.
Molecular consequence: intron variant. On other transcripts: missense variant (1).
Genome position (GRCh38, 1-based): chr15:60,556,915, T>C on the plus strand (A>G on the coding strand, the complement: RORA is on the minus strand). VCF-style: chr15-60556915-T-C. GRCh37 (hg19) VCF-style: chr15-60849114-T-C.
Other names: c.233A>G, p.Gln78Arg (NM_134260.3); c.272-25064A>G (NM_002943.4); c.32-25064A>G (NM_134262.3); short protein forms Q78R.
Identifiers: ClinVar variation 3051953 (VCV003051953.3), dbSNP rs148514379, ClinGen allele CA7593787.

ClinVar aggregate classification (germline): Likely benign. Review status: criteria provided, single submitter (1 of 4 stars). 2 submissions from 2 submitters: Likely benign (1). 1 of the submissions does not count toward it. Last evaluated 2025-10-18.

Conditions:
RORA-related disorder. Also called: RORA-related condition.
Inborn genetic diseases. Identifiers: MedGen C0950123, MeSH D030342.

Allele frequency attached by ClinVar (database versions not stated): TOPMed 0.00010; gnomAD 0.00007; gnomAD exomes 0.00007; ESP Exome Variant Server 0.00008; ExAC 0.00016.
gnomAD v4.1: 110 of 1,613,418 alleles (0.0068%); highest among the groups gnomAD compares: Admixed American, 0.042%; no homozygotes.

Submissions (2):

Ambry Genetics
Classification: Likely benign for Inborn genetic diseases. Last evaluated: 2025-10-18. Review status: criteria provided, single submitter. Criteria: Ambry Variant Classification Scheme 2023. Collection method: clinical testing. Allele origin: germline.

PreventionGenetics, part of Exact Sciences
Classification: Likely benign for RORA-related condition. Last evaluated: 2023-02-24. Review status: no assertion criteria provided. Collection method: clinical testing. Allele origin: germline. Not counted in ClinVar's aggregate classification.
Comment: This variant is classified as likely benign based on ACMG/AMP sequence variant interpretation guidelines (Richards et al. 2015 PMID: 25741868, with internal and published modifications).